The following is an entry in ClinVar:

ClinVar aggregate classification (germline): Uncertain significance (1 of 4 stars; one submission).

Conditions:
Transcobalamin II deficiency (TCN2D). Also called: TC II DEFICIENCY; TCN2 DEFICIENCY; Transcolabamin II deficiency. Identifiers: Orphanet 859, MedGen C0342701, MONDO:0010149, OMIM 275350.

Submission:

Labcorp Genetics (formerly Invitae), Labcorp
Classification: Uncertain significance for Transcobalamin II deficiency. Last evaluated: 2025-01-20. Review status: criteria provided, single submitter. Criteria: Invitae Variant Classification Sherloc (09022015). Collection method: clinical testing. Allele origin: germline.
Comment: This sequence change replaces lysine, which is basic and polar, with glutamic acid, which is acidic and polar, at codon 68 of the TCN2 protein (p.Lys68Glu). This variant is not present in population databases (gnomAD no frequency). This variant has not been reported in the literature in individuals affected with TCN2-related conditions. Invitae Evidence Modeling of protein sequence and biophysical properties (such as structural, functional, and spatial information, amino acid conservation, physicochemical variation, residue mobility, and thermodynamic stability) indicates that this missense variant is expected to disrupt TCN2 protein function with a positive predictive value of 80%. In summary, the available evidence is currently insufficient to determine the role of this variant in disease. Therefore, it has been classified as a Variant of Uncertain Significance.

NM_000355.4(TCN2):c.202A>G (p.Lys68Glu)

Gene: TCN2 (transcobalamin 2; plus strand). Cytogenetic location: 22q12.2.
Variant type: single nucleotide variant.
Coding change: c.202A>G on transcript NM_000355.4 (MANE Select); coding-DNA position 202, A replaced by G.
Protein change: p.Lys68Glu; replaces lysine 68 with glutamic acid.
Molecular consequence: missense variant.
Genome position (GRCh38, 1-based): chr22:30,611,008, A>G. VCF-style: chr22-30611008-A-G. GRCh37 (hg19) VCF-style: chr22-31006995-A-G.
Other names: c.202A>G, p.Lys68Glu (NM_001184726.2); short protein forms K68E.
Identifiers: ClinVar variation 3669194 (VCV003669194.2).